The following is an entry in ClinVar:

ClinVar aggregate classification (germline): Uncertain significance (1 of 4 stars; one submission).

Submission:

GeneDx
Classification: Uncertain significance. Last evaluated: 2025-06-17. Review status: criteria provided, single submitter. Criteria: GeneDx Variant Classification Process June 2021. Collection method: clinical testing. Allele origin: germline. Affected: yes.
Comment: Not observed at significant frequency in large population cohorts (gnomAD); Frameshift variant predicted to result in abnormal protein length as the last 108 amino acids are replaced with 20 different amino acids; Has not been previously published as pathogenic or benign to our knowledge

NM_015021.3(ZNF292):c.7847del (p.Asn2616fs)

Gene: ZNF292 (zinc finger protein 292; plus strand). Cytogenetic location: 6q14.3.
Variant type: Deletion.
Coding change: c.7847del on transcript NM_015021.3 (MANE Select); coding-DNA position 7847, one base deleted (A; older notation c.7847delA).
Protein change: p.Asn2616fs; shifts the reading frame from asparagine 2616.
Molecular consequence: frameshift variant.
Genome position (GRCh38, 1-based): chr6:87,261,476, A deleted; the last of 2 consecutive A bases (chr6:87,261,475-87,261,476); deleting either gives the same sequence. VCF-style (leftmost placement, unchanged base first): chr6-87261474-GA-G. GRCh37 (hg19) VCF-style: chr6-87971192-GA-G.
Other names: c.7427del, p.Asn2476fs (NM_001351444.2); short protein forms N2476fs, N2616fs.
Identifiers: ClinVar variation 4538919 (VCV004538919.1).